The following is an entry in ClinVar:

ClinVar aggregate classification (germline): Benign. Review status: criteria provided, multiple submitters, no conflicts (2 of 4 stars). 3 submissions from 3 submitters: Benign (2). 1 of the submissions does not count toward it. Last evaluated 2026-01-28.

Conditions:
ATRN-related disorder. Also called: ATRN-related condition.

Allele frequency attached by ClinVar (database versions not stated): gnomAD exomes 0.00076 and 0.00230; ExAC 0.00264; gnomAD 0.00809 and 0.00889; 1000 Genomes Project 0.00839; 1000 Genomes Project 30x 0.00906; TOPMed 0.00921; ESP Exome Variant Server 0.00976.
gnomAD v4.1: 2,384 of 1,598,338 alleles (0.15%); highest among the groups gnomAD compares: African/African-American, 2.9%; 45 homozygotes.

Submissions (3):

Labcorp Genetics (formerly Invitae), Labcorp
Classification: Benign. Last evaluated: 2026-01-28. Review status: criteria provided, single submitter. Criteria: Invitae Variant Classification Sherloc (09022015). Collection method: clinical testing. Allele origin: germline.

Breakthrough Genomics
Classification: Benign. Review status: criteria provided, single submitter. Criteria: ACMG Guidelines, 2015. Collection method: not provided. Allele origin: germline. Inheritance: Unknown mechanism. Affected: yes.

PreventionGenetics, part of Exact Sciences
Classification: Benign for ATRN-related condition. Last evaluated: 2024-08-26. Review status: no assertion criteria provided. Collection method: clinical testing. Allele origin: germline. Not counted in ClinVar's aggregate classification.
Comment: This variant is classified as benign based on ACMG/AMP sequence variant interpretation guidelines (Richards et al. 2015 PMID: 25741868, with internal and published modifications).

NM_139321.3(ATRN):c.3676G>A (p.Val1226Ile)

Gene: ATRN (attractin; plus strand). Cytogenetic location: 20p13.
Variant type: single nucleotide variant.
Coding change: c.3676G>A on transcript NM_139321.3 (MANE Select); coding-DNA position 3676, G replaced by A.
Protein change: p.Val1226Ile; replaces valine 1226 with isoleucine.
Molecular consequence: missense variant.
Genome position (GRCh38, 1-based): chr20:3,604,137, G>A. VCF-style: chr20-3604137-G-A. GRCh37 (hg19) VCF-style: chr20-3584784-G-A.
Other names: c.3328G>A, p.Val1110Ile (NM_001207047.3); c.3676G>A, p.Val1226Ile (NM_001323332.2, NM_139322.4); short protein forms V1110I, V1226I.
Identifiers: ClinVar variation 773086 (VCV000773086.12), dbSNP rs12329487, ClinGen allele CA9744627.